The following is an entry in ClinVar:

ClinVar aggregate classification (germline): Uncertain significance (1 of 4 stars; one submission).

Conditions:
Long QT syndrome (LQTS). Identifiers: MedGen C0023976, MeSH D008133, MONDO:0002442. Disease mechanism: loss of function. Inheritance: Various modes of inheritance.

Submission:

Labcorp Genetics (formerly Invitae), Labcorp
Classification: Uncertain significance for Long QT syndrome. Last evaluated: 2022-12-07. Review status: criteria provided, single submitter. Criteria: Invitae Variant Classification Sherloc (09022015). Collection method: clinical testing. Allele origin: germline.
Comment: In summary, the available evidence is currently insufficient to determine the role of this variant in disease. Therefore, it has been classified as a Variant of Uncertain Significance. Experimental studies and prediction algorithms are not available or were not evaluated, and the functional significance of this variant is currently unknown. This missense change has been observed in individual(s) with Long QT syndrome (PMID: 19716085, 24388587). Information on the frequency of this variant in the gnomAD database is not available, as this variant may be reported differently in the database. This sequence change replaces arginine, which is basic and polar, with tryptophan, which is neutral and slightly polar, at codon 1033 of the KCNH2 protein (p.Arg1033Trp).

Literature cited by the submitters: PubMed 19716085; PubMed 24388587.

NM_000238.4(KCNH2):c.3096_3097delinsAT (p.Arg1033Trp)

Gene: KCNH2 (potassium voltage-gated channel subfamily H member 2; minus strand). Cytogenetic location: 7q36.1.
Variant type: Indel.
Coding change: c.3096_3097delinsAT on transcript NM_000238.4 (MANE Select); coding-DNA positions 3096 to 3097, GC replaced by AT.
Protein change: p.Arg1033Trp; replaces arginine 1033 with tryptophan.
Molecular consequence: missense variant. On other transcripts: non-coding transcript variant (2).
Genome position (GRCh38, 1-based): chr7:150,947,383-150,947,384, GC replaced by AT on the plus strand (GC replaced by AT on the coding strand, the reverse complement: KCNH2 is on the minus strand). VCF-style: chr7-150947383-GC-AT. GRCh37 (hg19) VCF-style: chr7-150644471-GC-AT.
Other names: c.2808_2809delinsAT, p.Arg937Trp (NM_001406753.1); c.2076_2077delinsAT, p.Arg693Trp (NM_172057.3); short protein forms R693W, R937W, R1033W.
Identifiers: ClinVar variation 2819054 (VCV002819054.3), dbSNP rs2486004113, ClinGen allele CA2739279285.